The following is an entry in ClinVar:

NM_001370259.2(MEN1):c.1186-1G>C

Gene: MEN1 (menin 1; minus strand). Cytogenetic location: 11q13.1.
Variant type: single nucleotide variant.
Coding change: c.1186-1G>C on transcript NM_001370259.2 (MANE Select); the canonical splice acceptor site of the intron before coding-DNA position 1186, G replaced by C.
Molecular consequence: splice acceptor variant. On other transcripts: intron variant (1).
Genome position (GRCh38, 1-based): chr11:64,805,199, C>G on the plus strand (G>C on the coding strand, the complement: MEN1 is on the minus strand). VCF-style: chr11-64805199-C-G. GRCh37 (hg19) VCF-style: chr11-64572671-C-G.
Other names: c.1201-1G>C (NM_130804.3, NM_130803.3, NM_000244.4 and 4 more transcripts); c.1081-1G>C (NM_001407148.1, NM_001407149.1, NM_001370263.2 and 1 more transcripts); c.1186-1G>C (NM_130799.3, NM_001370260.2, NM_001407146.1 and 2 more transcripts); c.1312-1G>C (NM_001407144.1, NM_001370251.2, NM_001407142.1 and 1 more transcripts); c.1207-1G>C (NM_001407151.1); c.1186-383G>C (NM_001407152.1); c.1327-1G>C (NM_001407150.1).
Identifiers: ClinVar variation 4805326 (VCV004805326.1).

ClinVar aggregate classification (germline): Likely pathogenic (1 of 4 stars; one submission).

Conditions:
Multiple endocrine neoplasia, type 1 (MEN1). Also called: MEN I; WERMER SYNDROME; Endocrine adenomatosis multiple; MEN 1; MEA I. Identifiers: Orphanet 652, MedGen C0025267, MeSH D018761, MONDO:0007540, OMIM 131100.

Submission:

Labcorp Genetics (formerly Invitae), Labcorp
Classification: Likely pathogenic for Multiple endocrine neoplasia, type 1. Last evaluated: 2025-10-14. Review status: criteria provided, single submitter. Criteria: Invitae Variant Classification Sherloc (09022015). Collection method: clinical testing. Allele origin: germline.
Comment: This sequence change affects an acceptor splice site in intron 8 of the MEN1 gene. It is expected to disrupt RNA splicing. Variants that disrupt the donor or acceptor splice site typically lead to a loss of protein function (PMID: 16199547), and loss-of-function variants in MEN1 are known to be pathogenic (PMID: 12112656, 17853334). This variant is not present in population databases (gnomAD no frequency). Disruption of this splice site has been observed in individual(s) with clinical features of multiple endocrine neoplasia type 1 (PMID: 17623761). Algorithms developed to predict the effect of sequence changes on RNA splicing suggest that this variant may disrupt the consensus splice site. In summary, the currently available evidence indicates that the variant is pathogenic, but additional data are needed to prove that conclusively. Therefore, this variant has been classified as Likely Pathogenic.

Literature cited by the submitters: PubMed 16199547; PubMed 12112656; PubMed 17853334; PubMed 17623761.